The following is an entry in ClinVar:

NM_001005373.4(LRSAM1):c.2043_2044dup (p.Glu682fs)

Gene: LRSAM1 (leucine rich repeat and sterile alpha motif containing 1; plus strand). Cytogenetic location: 9q34.11.
Variant type: Duplication.
Coding change: c.2043_2044dup on transcript NM_001005373.4 (MANE Select); coding-DNA positions 2043 to 2044, 2 bases duplicated (GG; older notation c.2043_2044dupGG).
Protein change: p.Glu682fs; shifts the reading frame from glutamic acid 682.
Molecular consequence: frameshift variant. On other transcripts: non-coding transcript variant (2).
Genome position (GRCh38, 1-based): chr9:127,501,140-127,501,141, GG duplicated; duplicating any 2 consecutive bases within chr9:127,501,139-127,501,141 gives the same sequence; the c. name uses the placement nearest the transcript's 3' end. VCF-style (leftmost placement, unchanged base first): chr9-127501138-C-CGG. GRCh37 (hg19) VCF-style: chr9-130263417-C-CGG.
Other names: c.2043_2044dupGG (NM_138361.5); c.2043_2044dup, p.Glu682fs (NM_001005374.4, NM_001384142.1, NM_138361.5); c.1962_1963dup, p.Glu655fs (NM_001190723.3); c.1944_1945dup, p.Glu649fs (NM_001384143.1); c.1254_1255dup, p.Glu419fs (NM_001384144.1); short protein forms E655fs, E682fs, E419fs, E649fs.
Identifiers: ClinVar variation 472798 (VCV000472798.6), dbSNP rs1554762671, ClinGen allele CA658657903.

ClinVar aggregate classification (germline): Likely pathogenic (1 of 4 stars; one submission).

Conditions:
Charcot-Marie-Tooth disease axonal type 2P. Also called: CHARCOT-MARIE-TOOTH NEUROPATHY, TYPE 2P; Charcot-Marie-Tooth Neuropathy Type 2G; CHARCOT-MARIE-TOOTH DISEASE, AXONAL, TYPE 2G; CMT 2G. Identifiers: Orphanet 300319, Orphanet 99941, MedGen C3280797, MONDO:0013753, OMIM 614436.

Submission:

Labcorp Genetics (formerly Invitae), Labcorp
Classification: Likely pathogenic for Charcot-Marie-Tooth disease axonal type 2P. Last evaluated: 2021-11-11. Review status: criteria provided, single submitter. Criteria: Invitae Variant Classification Sherloc (09022015). Collection method: clinical testing. Allele origin: germline.
Comment: In summary, the currently available evidence indicates that the variant is pathogenic, but additional data are needed to prove that conclusively. Therefore, this variant has been classified as Likely Pathogenic. This variant disrupts the region of the LRSAM1 protein between p.Leu668 and p.Leu708. Other variants in this region have been observed in individuals with autosomal dominant LRSAM1-related conditions (PMID: 22012984, 29341362; Invitae), which suggests that this may be a clinically significant region of the protein. ClinVar contains an entry for this variant (Variation ID: 472798). This variant has not been reported in the literature in individuals affected with LRSAM1-related conditions. This variant is not present in population databases (gnomAD no frequency). This sequence change creates a premature translational stop signal (p.Glu682Glyfs*5) in the LRSAM1 gene. While this is not anticipated to result in nonsense mediated decay, it is expected to disrupt the last 42 amino acid(s) of the LRSAM1 protein.

Literature cited by the submitters: PubMed 22012984; PubMed 29341362.